The following is an entry in ClinVar:

ClinVar aggregate classification (germline): Uncertain significance (1 of 4 stars; one submission).

gnomAD v4.1: 5 of 1,614,064 alleles (0.00031%); highest among the groups gnomAD compares: Non-Finnish European, 0.00034%; no homozygotes.

Submission:

GeneDx
Classification: Uncertain significance. Last evaluated: 2024-04-22. Review status: criteria provided, single submitter. Criteria: GeneDx Variant Classification Process June 2021. Collection method: clinical testing. Allele origin: germline. Affected: yes.
Comment: Not observed at significant frequency in large population cohorts (gnomAD); In silico analysis supports a deleterious effect on splicing; Has not been previously published as pathogenic or benign to our knowledge

NM_018055.5(NODAL):c.834C>T (p.Gly278=)

Gene: NODAL (nodal growth differentiation factor; minus strand). Cytogenetic location: 10q22.1.
Variant type: single nucleotide variant.
Coding change: c.834C>T on transcript NM_018055.5 (MANE Select); coding-DNA position 834, C replaced by T.
Protein change: p.Gly278=; no amino-acid change (glycine 278 retained).
Molecular consequence: synonymous variant.
Genome position (GRCh38, 1-based): chr10:70,435,343, G>A on the plus strand (C>T on the coding strand, the complement: NODAL is on the minus strand). VCF-style: chr10-70435343-G-A. GRCh37 (hg19) VCF-style: chr10-72195099-G-A.
Other names: c.435C>T, p.Gly145= (NM_001329906.2).
Identifiers: ClinVar variation 3372753 (VCV003372753.1).